The following is an entry in ClinVar:

ClinVar aggregate classification (germline): Pathogenic (1 of 4 stars; one submission).

Conditions:
Hereditary nonpolyposis colorectal neoplasms. Identifiers: MedGen C0009405, MeSH D003123.

Submission:

Labcorp Genetics (formerly Invitae), Labcorp
Classification: Pathogenic for Hereditary nonpolyposis colorectal neoplasms. Last evaluated: 2018-03-17. Review status: criteria provided, single submitter. Criteria: Invitae Variant Classification Sherloc (09022015). Collection method: clinical testing. Allele origin: germline.
Comment: This sequence change creates a premature translational stop signal (p.Glu710Serfs*23) in the PMS2 gene. It is expected to result in an absent or disrupted protein product. This variant has not been reported in the literature in individuals with PMS2-related disease. Loss-of-function variants in PMS2 are known to be pathogenic (PMID: 21376568, 24362816). For these reasons, this variant has been classified as Pathogenic.

Literature cited by the submitters: PubMed 21376568; PubMed 24362816.

NM_000535.7(PMS2):c.2128_2142delinsTCGTATA (p.Glu710fs)

Gene: PMS2 (PMS1 homolog 2, mismatch repair system component; minus strand). Cytogenetic location: 7p22.1.
Variant type: Indel.
Coding change: c.2128_2142delinsTCGTATA on transcript NM_000535.7 (MANE Select); coding-DNA positions 2128 to 2142, GAGATGCTGCAGCAG replaced by TCGTATA.
Protein change: p.Glu710fs; shifts the reading frame from glutamic acid 710.
Molecular consequence: frameshift variant. On other transcripts: non-coding transcript variant (1).
Genome position (GRCh38, 1-based): chr7:5,982,856-5,982,870, CTGCTGCAGCATCTC replaced by TATACGA on the plus strand (GAGATGCTGCAGCAG replaced by TCGTATA on the coding strand, the reverse complement: PMS2 is on the minus strand). VCF-style: chr7-5982856-CTGCTGCAGCATCTC-TATACGA. GRCh37 (hg19) VCF-style: chr7-6022487-CTGCTGCAGCATCTC-TATACGA.
Other names: c.1723_1737delinsTCGTATA, p.Glu575fs (NM_001322003.2, NM_001322004.2, NM_001322005.2 and 1 more transcripts); c.1972_1986delinsTCGTATA, p.Glu658fs (NM_001322006.2); c.1810_1824delinsTCGTATA, p.Glu604fs (NM_001322007.2, NM_001322008.2); c.1567_1581delinsTCGTATA, p.Glu523fs (NM_001322010.2); c.1195_1209delinsTCGTATA, p.Glu399fs (NM_001322011.2, NM_001322012.2); c.1555_1569delinsTCGTATA, p.Glu519fs (NM_001322013.2); c.2128_2142delinsTCGTATA, p.Glu710fs (NM_001322014.2); c.1819_1833delinsTCGTATA, p.Glu607fs (NM_001322015.2); short protein forms E399fs, E604fs, E710fs, E519fs, E575fs, E523fs, E607fs, E658fs.
Identifiers: ClinVar variation 582564 (VCV000582564.6), dbSNP rs1562614946, ClinGen allele CA891842807.
Genomic context (GRCh38, chr7:5,982,856, plus strand): 5'-TCTGGGAATGAACACTAAACACACTCACGCTATGAGCCTCTGCCCCTGGAGCACGGTGTG[CTGCTGCAGCATCTC>TATACGA]GAAGTTATACTTCTCGTCCGTGGCATGCTGGTCCACTATGAAGATATCCTCATTCAGTTT-3'